The following is an entry in ClinVar:

NM_001267550.2(TTN):c.46010A>T (p.Asn15337Ile)

Gene: TTN (titin; minus strand). Cytogenetic location: 2q31.2.
Variant type: single nucleotide variant.
Coding change: c.46010A>T on transcript NM_001267550.2 (MANE Select); coding-DNA position 46010, A replaced by T.
Protein change: p.Asn15337Ile; replaces asparagine 15337 with isoleucine.
Molecular consequence: missense variant.
Genome position (GRCh38, 1-based): chr2:178,620,511, T>A on the plus strand (A>T on the coding strand, the complement: TTN is on the minus strand). VCF-style: chr2-178620511-T-A. GRCh37 (hg19) VCF-style: chr2-179485238-T-A.
Other names: c.41087A>T, p.Asn13696Ile (NM_001256850.1); c.18815A>T, p.Asn6272Ile (NM_003319.4); c.38306A>T, p.Asn12769Ile (NM_133378.4); c.19190A>T, p.Asn6397Ile (NM_133432.3); c.19391A>T, p.Asn6464Ile (NM_133437.4); short protein forms N12769I, N13696I, N15337I, N6272I, N6397I, N6464I.
Identifiers: ClinVar variation 3340182 (VCV003340182.2).
Genomic context (GRCh38, chr2:178,620,511, plus strand): 5'-ATGTGCTTGTACTTATCAACTCTGTATGAGACACGGTTGTCAAAAGGCACTTCTTCACCA[T>A]TTTTGGTCCACTTCAGTGTTACATTGAGACGATTCACCTTGCACCAGAATGTGACAGATT-3'
Protein context (NP_001254479.2, residues 15327-15347): RLNVTLKWTK[Asn15337Ile]GEEVPFDNRV

ClinVar aggregate classification (germline): Uncertain significance. Review status: criteria provided, multiple submitters, no conflicts (2 of 4 stars). 2 submissions from 2 submitters: Uncertain significance (2). Last evaluated 2025-12-15.

gnomAD v4.1: 25 of 1,612,344 alleles (0.0016%); highest among the groups gnomAD compares: Non-Finnish European, 0.002%; no homozygotes.

Submissions (2):

Women's Health and Genetics/Laboratory Corporation of America, LabCorp
Classification: Uncertain significance. Last evaluated: 2025-12-15. Review status: criteria provided, single submitter. Criteria: LabCorp Variant Classification Summary - May 2015. Collection method: clinical testing. Allele origin: germline.
Comment: Variant summary: TTN c.38306A>T (p.Asn12769Ile) results in a non-conservative amino acid change in the encoded protein sequence. Algorithms developed to predict the effect of missense changes on protein structure and function are either unavailable or do not agree on the potential impact of this missense change. The variant was absent in 247538 control chromosomes. The available data on variant occurrences in the general population are insufficient to allow any conclusion about variant significance. To our knowledge, no occurrence of c.38306A>T in individuals affected with TTN-related conditions and no experimental evidence demonstrating its impact on protein function have been reported. ClinVar contains an entry for this variant (Variation ID: 3340182). Based on the evidence outlined above, the variant was classified as uncertain significance.

GeneDx
Classification: Uncertain significance. Last evaluated: 2023-08-28. Review status: criteria provided, single submitter. Criteria: GeneDx Variant Classification Process June 2021. Collection method: clinical testing. Allele origin: germline. Affected: yes.
Comment: Not observed at significant frequency in large population cohorts (gnomAD); Missense variant in a gene in which most reported pathogenic variants are truncating/loss of function; Has not been previously published as pathogenic or benign to our knowledge